The following is an entry in ClinVar:

NM_014336.5(AIPL1):c.55G>C (p.Gly19Arg)

Gene: AIPL1 (AIP like 1 HSP90 co-chaperone; minus strand). Cytogenetic location: 17p13.2.
Variant type: single nucleotide variant.
Coding change: c.55G>C on transcript NM_014336.5 (MANE Select); coding-DNA position 55, G replaced by C.
Protein change: p.Gly19Arg; replaces glycine 19 with arginine.
Molecular consequence: missense variant. On other transcripts: 5 prime UTR variant (1).
Genome position (GRCh38, 1-based): chr17:6,435,050, C>G on the plus strand (G>C on the coding strand, the complement: AIPL1 is on the minus strand). VCF-style: chr17-6435050-C-G. GRCh37 (hg19) VCF-style: chr17-6338370-C-G.
Other names: c.55G>C, p.Gly19Arg (NM_001033054.3, NM_001033055.3, NM_001285399.3 and 3 more transcripts); c.-121G>C (NM_001285402.2); short protein forms G19R.
Identifiers: ClinVar variation 1984106 (VCV001984106.4), dbSNP rs777056827, ClinGen allele CA8328671.
Genomic context (GRCh38, chr17:6,435,050, plus strand): 5'-CCGGAGGGGCCCCACTCACTCGGGATCCGGTGATGAAGTTTGGGAGCTCGCCCGTGCCCC[C>G]GTGCAGAATGGTTTTCTTGACCCCTTCCACGTTCAGGAGCAGAGCGGCATCCATGGCTGC-3'
Protein context (NP_055151.3, residues 9-29): VEGVKKTILH[Gly19Arg]GTGELPNFIT

ClinVar aggregate classification (germline): Uncertain significance (1 of 4 stars; one submission).

Conditions:
Leber congenital amaurosis 4 (LCA4). Identifiers: MedGen C1858386, MONDO:0011458, OMIM 604393.

Allele frequency attached by ClinVar (database versions not stated): ExAC 0.00001; gnomAD 0.00001; TOPMed 0.00001.
gnomAD v4.1: 9 of 1,614,092 alleles (0.00056%); highest among the groups gnomAD compares: African/African-American, 0.0093%; no homozygotes.

Submission:

Labcorp Genetics (formerly Invitae), Labcorp
Classification: Uncertain significance for Leber congenital amaurosis 4. Last evaluated: 2022-03-14. Review status: criteria provided, single submitter. Criteria: Invitae Variant Classification Sherloc (09022015). Collection method: clinical testing. Allele origin: germline.
Comment: In summary, the available evidence is currently insufficient to determine the role of this variant in disease. Therefore, it has been classified as a Variant of Uncertain Significance. Algorithms developed to predict the effect of missense changes on protein structure and function (SIFT, PolyPhen-2, Align-GVGD) all suggest that this variant is likely to be disruptive. This variant has not been reported in the literature in individuals affected with AIPL1-related conditions. This variant is present in population databases (rs777056827, gnomAD 0.008%). This sequence change replaces glycine, which is neutral and non-polar, with arginine, which is basic and polar, at codon 19 of the AIPL1 protein (p.Gly19Arg).